The following is an entry in ClinVar:

NM_000642.3(AGL):c.2990A>G (p.Gln997Arg)

Gene: AGL (amylo-alpha-1,6-glucosidase and 4-alpha-glucanotransferase; plus strand). Cytogenetic location: 1p21.2.
Variant type: single nucleotide variant.
Coding change: c.2990A>G on transcript NM_000642.3 (MANE Select); coding-DNA position 2990, A replaced by G.
Protein change: p.Gln997Arg; replaces glutamine 997 with arginine.
Molecular consequence: missense variant.
Genome position (GRCh38, 1-based): chr1:99,891,646, A>G. VCF-style: chr1-99891646-A-G. GRCh37 (hg19) VCF-style: chr1-100357202-A-G.
Other names: c.2990A>G (NM_000642.2); c.2990A>G, p.Gln997Arg (NM_000028.3, NM_000643.3, NM_000644.3 and 1 more transcripts); c.2942A>G, p.Gln981Arg (NM_000646.3); c.2969A>G, p.Gln990Arg (NM_001425326.1); c.2789A>G, p.Gln930Arg (NM_001425327.1); c.2786A>G, p.Gln929Arg (NM_001425328.1); c.2651A>G, p.Gln884Arg (NM_001425329.1); c.2612A>G, p.Gln871Arg (NM_001425332.1); short protein forms Q981R, Q997R, Q871R, Q884R, Q929R, Q930R, Q990R.
Identifiers: ClinVar variation 1351149 (VCV001351149.7), dbSNP rs1336041021, ClinGen allele CA341325860.

ClinVar aggregate classification (germline): Uncertain significance. Review status: criteria provided, multiple submitters, no conflicts (2 of 4 stars). 2 submissions from 2 submitters: Uncertain significance (2). Last evaluated 2025-06-26.

Conditions:
Glycogen storage disease type III (GSD3). Also called: FORBES DISEASE; Cori disease. Identifiers: Orphanet 366, MedGen C0017922, MONDO:0009291, OMIM 232400.
AGL-related disorder. Also called: AGL-related condition.

Allele frequency attached by ClinVar (database versions not stated): gnomAD exomes below 0.00001; TOPMed below 0.00001.
gnomAD v4.1: 3 of 1,613,706 alleles (0.00019%); highest among the groups gnomAD compares: South Asian, 0.0011%; no homozygotes.

Submissions (2):

PreventionGenetics, part of Exact Sciences
Classification: Uncertain significance for AGL-related condition. Last evaluated: 2025-06-26. Review status: criteria provided, single submitter. Criteria: ACMG Guidelines, 2015. Collection method: clinical testing. Allele origin: germline.
Comment: The AGL c.2990A>G variant is predicted to result in the amino acid substitution p.Gln997Arg. To our knowledge, this variant has not been reported in the literature. This variant is reported in 0.00088% of alleles in individuals of European (Non-Finnish) descent in gnomAD. At this time, the clinical significance of this variant is uncertain due to the absence of conclusive functional and genetic evidence.

Labcorp Genetics (formerly Invitae), Labcorp
Classification: Uncertain significance for Glycogen storage disease type III. Last evaluated: 2021-12-08. Review status: criteria provided, single submitter. Criteria: Invitae Variant Classification Sherloc (09022015). Collection method: clinical testing. Allele origin: germline.
Comment: This sequence change replaces glutamine, which is neutral and polar, with arginine, which is basic and polar, at codon 997 of the AGL protein (p.Gln997Arg). This variant is present in population databases (no rsID available, gnomAD 0.0009%). This variant has not been reported in the literature in individuals affected with AGL-related conditions. Algorithms developed to predict the effect of missense changes on protein structure and function (SIFT, PolyPhen-2, Align-GVGD) all suggest that this variant is likely to be tolerated. In summary, the available evidence is currently insufficient to determine the role of this variant in disease. Therefore, it has been classified as a Variant of Uncertain Significance.